The following is an entry in ClinVar:

ClinVar aggregate classification (germline): Uncertain significance. Review status: criteria provided, multiple submitters, no conflicts (2 of 4 stars). 2 submissions from 2 submitters: Uncertain significance (2). Last evaluated 2024-09-11.

gnomAD v4.1: 1 of 1,613,882 alleles (0.000062%); highest among the groups gnomAD compares: Non-Finnish European, 0.000085%; no homozygotes.

Submissions (2):

Blueprint Genetics
Classification: Uncertain significance. Last evaluated: 2024-09-11. Review status: criteria provided, single submitter. Criteria: ACMG Guidelines, 2015. Collection method: clinical testing. Allele origin: germline.

Labcorp Genetics (formerly Invitae), Labcorp
Classification: Uncertain significance. Last evaluated: 2023-03-14. Review status: criteria provided, single submitter. Criteria: Invitae Variant Classification Sherloc (09022015). Collection method: clinical testing. Allele origin: germline.
Comment: In summary, the available evidence is currently insufficient to determine the role of this variant in disease. Therefore, it has been classified as a Variant of Uncertain Significance. Advanced modeling of protein sequence and biophysical properties (such as structural, functional, and spatial information, amino acid conservation, physicochemical variation, residue mobility, and thermodynamic stability) has been performed at Invitae for this missense variant, however the output from this modeling did not meet the statistical confidence thresholds required to predict the impact of this variant on ABHD12 protein function. This variant has not been reported in the literature in individuals affected with ABHD12-related conditions. This variant is not present in population databases (gnomAD no frequency). This sequence change replaces leucine, which is neutral and non-polar, with phenylalanine, which is neutral and non-polar, at codon 326 of the ABHD12 protein (p.Leu326Phe).

NM_001042472.3(ABHD12):c.976C>T (p.Leu326Phe)

Gene: ABHD12 (abhydrolase domain containing 12, lysophospholipase; minus strand). Cytogenetic location: 20p11.21.
Variant type: single nucleotide variant.
Coding change: c.976C>T on transcript NM_001042472.3 (MANE Select); coding-DNA position 976, C replaced by T.
Protein change: p.Leu326Phe; replaces leucine 326 with phenylalanine.
Molecular consequence: missense variant.
Genome position (GRCh38, 1-based): chr20:25,303,603, G>A on the plus strand (C>T on the coding strand, the complement: ABHD12 is on the minus strand). VCF-style: chr20-25303603-G-A. GRCh37 (hg19) VCF-style: chr20-25284239-G-A.
Other names: c.976C>T, p.Leu326Phe (NM_015600.5); short protein forms L326F.
Identifiers: ClinVar variation 2839551 (VCV002839551.4), dbSNP rs2515752453, ClinGen allele CA408455286.